The following is an entry in ClinVar:

NM_001144997.2(ITGA7):c.14-59C>T

Gene: ITGA7 (integrin subunit alpha 7; minus strand). Cytogenetic location: 12q13.2.
Variant type: single nucleotide variant.
Coding change: c.14-59C>T on transcript NM_001144997.2; 59 bases into the intron before coding-DNA position 14, C replaced by T.
Molecular consequence: intron variant. On other transcripts: 5 prime UTR variant (1).
Genome position (GRCh38, 1-based): chr12:55,712,193, G>A on the plus strand (C>T on the coding strand, the complement: ITGA7 is on the minus strand). VCF-style: chr12-55712193-G-A. GRCh37 (hg19) VCF-style: chr12-56105977-G-A.
Other names: c.-264C>T (NM_001414035.1); c.-205-59C>T (NM_001367993.1).
Identifiers: ClinVar variation 682002 (VCV000682002.4), dbSNP rs12578814, ClinGen allele CA13590063.
Genomic context (GRCh38, chr12:55,712,193, plus strand): 5'-GGCTGGGAGGAAAAGAACATAAATGTGATTGAGGGAATTCAGTGGGGAAACAGCTTGACC[G>A]CTCCGGTCTTTGACGATCCAAAAGAAACCCTTAACACTTGAGAAGGACTGGGAGGTCACT-3'

ClinVar aggregate classification (germline): Benign. Review status: criteria provided, multiple submitters, no conflicts (2 of 4 stars). 2 submissions from 2 submitters: Benign (2). Last evaluated 2018-06-19.

Allele frequency attached by ClinVar (database versions not stated): gnomAD 0.17703 and 0.18112; ESP Exome Variant Server 0.18178; gnomAD exomes 0.22574; 1000 Genomes Project 30x 0.16724; TOPMed 0.17023; 1000 Genomes Project 0.17512.
gnomAD v4.1: 342,543 of 1,550,438 alleles (22%); highest among the groups gnomAD compares: East Asian, 33%; 40,056 homozygotes.

Submissions (2):

GeneDx
Classification: Benign. Last evaluated: 2018-06-19. Review status: criteria provided, single submitter. Criteria: GeneDx Variant Classification (06012015). Collection method: clinical testing. Allele origin: germline. Affected: yes.
Comment: This variant is considered likely benign or benign based on one or more of the following criteria: it is a conservative change, it occurs at a poorly conserved position in the protein, it is predicted to be benign by multiple in silico algorithms, and/or has population frequency not consistent with disease.

Breakthrough Genomics
Classification: Benign. Review status: criteria provided, single submitter. Criteria: ACMG Guidelines, 2015. Collection method: not provided. Allele origin: germline. Inheritance: Autosomal recessive inheritance. Affected: yes.